The following is an entry in ClinVar:

NM_005647.4(TBL1X):c.1712G>A (p.Cys571Tyr)

Gene: TBL1X (transducin beta like 1 X-linked; plus strand). Cytogenetic location: Xp22.2.
Variant type: single nucleotide variant.
Coding change: c.1712G>A on transcript NM_005647.4 (MANE Select); coding-DNA position 1712, G replaced by A.
Protein change: p.Cys571Tyr; replaces cysteine 571 with tyrosine.
Molecular consequence: missense variant.
Genome position (GRCh38, 1-based): chrX:9,716,224, G>A. VCF-style: chrX-9716224-G-A. GRCh37 (hg19) VCF-style: chrX-9684264-G-A.
Other names: c.1712G>A, p.Cys571Tyr (NM_001139466.1); c.1559G>A, p.Cys520Tyr (NM_001139467.1, NM_001139468.1); short protein forms C571Y, C520Y.
Identifiers: ClinVar variation 4540595 (VCV004540595.1).

ClinVar aggregate classification (germline): Uncertain significance (1 of 4 stars; one submission).

Conditions:
Congenital hypothyroidism. Identifiers: Orphanet 442, MedGen C0010308, MONDO:0018612, HP:0000851.

gnomAD v4.1: 4 of 1,210,760 alleles (0.00033%); highest among the groups gnomAD compares: South Asian, 0.0053%; no homozygotes.

Submission:

Cambridge Genomics Laboratory, East Genomic Laboratory Hub, NHS Genomic Medicine Service
Classification: Uncertain significance for Congenital hypothyroidism. Last evaluated: 2025-09-18. Review status: criteria provided, single submitter. Criteria: ACGS Best Practice Guidelines for Variant Classification in Rare Disease 2020. Collection method: clinical testing. Allele origin: germline. Affected: yes.
Comment: PM2